The following is an entry in ClinVar:

ClinVar aggregate classification (germline): Uncertain significance. Review status: criteria provided, multiple submitters, no conflicts (2 of 4 stars). 3 submissions from 3 submitters: Uncertain significance (3). Last evaluated 2025-06-29.

Conditions:
Inborn genetic diseases. Identifiers: MedGen C0950123, MeSH D030342.
Hereditary spastic paraplegia 50 (SPG50). Also called: Spastic paraplegia 50, autosomal recessive. Identifiers: Orphanet 280763, MedGen C2752008, MONDO:0013048, OMIM 612936.
AP4M1-related disorder. Also called: AP4M1-related condition.

Allele frequency attached by ClinVar (database versions not stated): TOPMed below 0.00001.
gnomAD v4.1: 6 of 1,613,510 alleles (0.00037%); highest among the groups gnomAD compares: Admixed American, 0.01%; no homozygotes.

Submissions (3):

Ambry Genetics
Classification: Uncertain significance for Inborn genetic diseases. Last evaluated: 2025-06-29. Review status: criteria provided, single submitter. Criteria: Ambry Variant Classification Scheme 2023. Collection method: clinical testing. Allele origin: germline.

PreventionGenetics, part of Exact Sciences
Classification: Uncertain significance for AP4M1-related condition. Last evaluated: 2024-12-15. Review status: criteria provided, single submitter. Criteria: ACMG Guidelines, 2015. Collection method: clinical testing. Allele origin: germline.
Comment: The AP4M1 c.1174G>T variant is predicted to result in the amino acid substitution p.Gly392Trp. To our knowledge, this variant has not been reported in the literature. This variant is reported in 0.017% of alleles in individuals of Latino descent in gnomAD. At this time, the clinical significance of this variant is uncertain due to the absence of conclusive functional and genetic evidence.

Labcorp Genetics (formerly Invitae), Labcorp
Classification: Uncertain significance for Hereditary spastic paraplegia 50. Last evaluated: 2024-10-28. Review status: criteria provided, single submitter. Criteria: Invitae Variant Classification Sherloc (09022015). Collection method: clinical testing. Allele origin: germline.
Comment: This sequence change replaces glycine, which is neutral and non-polar, with tryptophan, which is neutral and slightly polar, at codon 392 of the AP4M1 protein (p.Gly392Trp). This variant is present in population databases (rs752993121, gnomAD 0.02%). This variant has not been reported in the literature in individuals affected with AP4M1-related conditions. Invitae Evidence Modeling of protein sequence and biophysical properties (such as structural, functional, and spatial information, amino acid conservation, physicochemical variation, residue mobility, and thermodynamic stability) indicates that this missense variant is not expected to disrupt AP4M1 protein function with a negative predictive value of 95%. In summary, the available evidence is currently insufficient to determine the role of this variant in disease. Therefore, it has been classified as a Variant of Uncertain Significance.

NM_004722.4(AP4M1):c.1174G>T (p.Gly392Trp)

Gene: AP4M1 (adaptor related protein complex 4 subunit mu 1; plus strand). Cytogenetic location: 7q22.1.
Variant type: single nucleotide variant.
Coding change: c.1174G>T on transcript NM_004722.4 (MANE Select); coding-DNA position 1174, G replaced by T.
Protein change: p.Gly392Trp; replaces glycine 392 with tryptophan.
Molecular consequence: missense variant.
Genome position (GRCh38, 1-based): chr7:100,106,694, G>T. VCF-style: chr7-100106694-G-T. GRCh37 (hg19) VCF-style: chr7-99704317-G-T.
Other names: c.1195G>T, p.Gly399Trp (NM_001363671.2); c.1174G>T (NM_004722.3); short protein forms G392W, G399W.
Identifiers: ClinVar variation 1983962 (VCV001983962.6), dbSNP rs752993121, ClinGen allele CA4375016.